The following is an entry in ClinVar:

ClinVar aggregate classification (germline): Uncertain significance (1 of 4 stars; one submission).

Conditions:
Epileptic encephalopathy. Identifiers: MedGen C0543888, HP:0200134.

gnomAD v4.1: 3 of 1,606,604 alleles (0.00019%); highest among the groups gnomAD compares: Admixed American, 0.0033%; 1 homozygote.

Submission:

Labcorp Genetics (formerly Invitae), Labcorp
Classification: Uncertain significance for Epileptic encephalopathy. Last evaluated: 2024-06-17. Review status: criteria provided, single submitter. Criteria: Invitae Variant Classification Sherloc (09022015). Collection method: clinical testing. Allele origin: germline.
Comment: This sequence change replaces isoleucine, which is neutral and non-polar, with methionine, which is neutral and non-polar, at codon 213 of the RYR3 protein (p.Ile213Met). This variant is not present in population databases (gnomAD no frequency). This variant has not been reported in the literature in individuals affected with RYR3-related conditions. ClinVar contains an entry for this variant (Variation ID: 855985). An algorithm developed to predict the effect of missense changes on protein structure and function (PolyPhen-2) suggests that this variant is likely to be tolerated. Algorithms developed to predict the effect of sequence changes on RNA splicing suggest that this variant may disrupt the consensus splice site. In summary, the available evidence is currently insufficient to determine the role of this variant in disease. Therefore, it has been classified as a Variant of Uncertain Significance.

NM_001036.6(RYR3):c.639C>G (p.Ile213Met)

Gene: RYR3 (ryanodine receptor 3; plus strand). Cytogenetic location: 15q14.
Variant type: single nucleotide variant.
Coding change: c.639C>G on transcript NM_001036.6 (MANE Select); coding-DNA position 639, C replaced by G.
Protein change: p.Ile213Met; replaces isoleucine 213 with methionine.
Molecular consequence: missense variant.
Genome position (GRCh38, 1-based): chr15:33,540,883, C>G. VCF-style: chr15-33540883-C-G. GRCh37 (hg19) VCF-style: chr15-33833084-C-G.
Other names: c.639C>G, p.Ile213Met (NM_001243996.4); short protein forms I213M.
Identifiers: ClinVar variation 855985 (VCV000855985.9), dbSNP rs1467070057, ClinGen allele CA391561306.